The following is an entry in ClinVar:

NC_000004.12:g.26320793C>T

Gene: RBPJ (recombination signal binding protein for immunoglobulin kappa J region; plus strand). Cytogenetic location: 4p15.2.
Variant type: single nucleotide variant.
Molecular consequence: intron variant (on NM_001379409.1). On other transcripts: missense variant (3), 5 prime UTR variant (1).
Genome position: GRCh38 VCF-style: chr4-26320793-C-T. GRCh37 (hg19) VCF-style: chr4-26322415-C-T.
Other names: c.14+905C>T (NM_001379409.1); c.37C>T, p.Pro13Ser (NM_001374400.1, NM_001379408.1, NM_005349.4); c.-189C>T (NM_001379407.1); c.-166-41653C>T (NM_001374401.1); c.-167+905C>T (NM_001379406.1); c.-47+905C>T (NM_203283.5); short protein forms P13S.
Identifiers: ClinVar variation 2066899 (VCV002066899.4), dbSNP rs1722936793, ClinGen allele CA356668370.

ClinVar aggregate classification (germline): Uncertain significance (1 of 4 stars; one submission).

Submission:

Labcorp Genetics (formerly Invitae), Labcorp
Classification: Uncertain significance. Last evaluated: 2021-12-30. Review status: criteria provided, single submitter. Criteria: Invitae Variant Classification Sherloc (09022015). Collection method: clinical testing. Allele origin: germline.
Comment: This variant is not present in population databases (gnomAD no frequency). This sequence change replaces proline, which is neutral and non-polar, with serine, which is neutral and polar, at codon 13 of the RBPJ protein (p.Pro13Ser). This variant has not been reported in the literature in individuals affected with RBPJ-related conditions. In summary, the available evidence is currently insufficient to determine the role of this variant in disease. Therefore, it has been classified as a Variant of Uncertain Significance. Algorithms developed to predict the effect of missense changes on protein structure and function are either unavailable or do not agree on the potential impact of this missense change (SIFT: "Tolerated"; PolyPhen-2: "Not Available"; Align-GVGD: "Class C0").